The following is an entry in ClinVar:

NM_001184.4(ATR):c.1953G>A (p.Trp651Ter)

Gene: ATR (ATR checkpoint kinase; minus strand). Cytogenetic location: 3q23.
Variant type: single nucleotide variant.
Coding change: c.1953G>A on transcript NM_001184.4 (MANE Select); coding-DNA position 1953, G replaced by A.
Protein change: p.Trp651Ter; replaces tryptophan 651 with a stop codon.
Molecular consequence: nonsense.
Genome position (GRCh38, 1-based): chr3:142,556,508, C>T on the plus strand (G>A on the coding strand, the complement: ATR is on the minus strand). VCF-style: chr3-142556508-C-T. GRCh37 (hg19) VCF-style: chr3-142275350-C-T.
Other names: c.1761G>A, p.Trp587Ter (NM_001354579.2); short protein forms W587*, W651*.
Identifiers: ClinVar variation 1897758 (VCV001897758.5), dbSNP rs2473398886, ClinGen allele CA354819447.

ClinVar aggregate classification (germline): Pathogenic (1 of 4 stars; one submission).

Submission:

Labcorp Genetics (formerly Invitae), Labcorp
Classification: Pathogenic. Last evaluated: 2022-08-29. Review status: criteria provided, single submitter. Criteria: Invitae Variant Classification Sherloc (09022015). Collection method: clinical testing. Allele origin: germline.
Comment: This variant is not present in population databases (gnomAD no frequency). This sequence change creates a premature translational stop signal (p.Trp651*) in the ATR gene. It is expected to result in an absent or disrupted protein product. Loss-of-function variants in ATR are known to be pathogenic (PMID: 21228398, 23144622). For these reasons, this variant has been classified as Pathogenic. This variant has not been reported in the literature in individuals affected with ATR-related conditions.

Literature cited by the submitters: PubMed 21228398; PubMed 23144622.